The following is an entry in ClinVar:

NM_014845.6(FIG4):c.506A>C (p.Tyr169Ser)

Gene: FIG4 (FIG4 phosphoinositide 5-phosphatase; plus strand). Cytogenetic location: 6q21.
Variant type: single nucleotide variant.
Coding change: c.506A>C on transcript NM_014845.6 (MANE Select); coding-DNA position 506, A replaced by C.
Protein change: p.Tyr169Ser; replaces tyrosine 169 with serine.
Molecular consequence: missense variant.
Genome position (GRCh38, 1-based): chr6:109,735,158, A>C. VCF-style: chr6-109735158-A-C. GRCh37 (hg19) VCF-style: chr6-110056361-A-C.
Other names: short protein forms Y169S.
Identifiers: ClinVar variation 246183 (VCV000246183.4), dbSNP rs770278572, ClinGen allele CA3955824.

ClinVar aggregate classification (germline): Conflicting classifications of pathogenicity. Review status: criteria provided, conflicting classifications (1 of 4 stars). 2 submissions from 2 submitters: Pathogenic (1); Uncertain significance (1). Last evaluated 2024-04-25.

Conditions:
Charcot-Marie-Tooth disease type 4. Also called: Charcot-Marie-Tooth disease, type IV; Charcot-Marie-Tooth, Type 4. Identifiers: Orphanet 64749, MedGen C4082197, MONDO:0018995.

gnomAD v4.1: 6 of 1,612,570 alleles (0.00037%); highest among the groups gnomAD compares: South Asian, 0.0066%; no homozygotes.

Submissions (2):

Labcorp Genetics (formerly Invitae), Labcorp
Classification: Pathogenic for Charcot-Marie-Tooth disease type 4. Last evaluated: 2024-04-25. Review status: criteria provided, single submitter. Criteria: Invitae Variant Classification Sherloc (09022015). Collection method: clinical testing. Allele origin: germline.
Comment: This sequence change replaces tyrosine, which is neutral and polar, with serine, which is neutral and polar, at codon 169 of the FIG4 protein (p.Tyr169Ser). This variant is present in population databases (rs770278572, gnomAD 0.01%). This missense change has been observed in individual(s) with FIG4-related conditions (PMID: 30740813, 32385905, 34122524). In at least one individual the data is consistent with being in trans (on the opposite chromosome) from a pathogenic variant. ClinVar contains an entry for this variant (Variation ID: 246183). An algorithm developed to predict the effect of missense changes on protein structure and function (PolyPhen-2) suggests that this variant is likely to be disruptive. For these reasons, this variant has been classified as Pathogenic.

GeneDx
Classification: Uncertain significance. Last evaluated: 2017-08-07. Review status: criteria provided, single submitter. Criteria: GeneDx Variant Classification (06012015). Collection method: clinical testing. Allele origin: germline. Affected: yes.
Comment: The Y169S variant in the FIG4 gene has not been reported previously as a pathogenic, nor as a benign variant, to our knowledge. The Y169S variant was not observed in approximately 6500 individuals of European and African American ancestry in the NHLBI Exome Sequencing Project, indicating it is not a common benign variant in these populations. The Y169S variant is a semi-conservative amino acid substitution, which may impact secondary protein structure as these residues differ in some properties. This substitution occurs at a position that is conserved across species. In silico analysis predicts this variant is probably damaging to the protein structure/function. However, only one variant in a nearby residue (L175P) associated with Yunis-Varon syndrome has been reported in the Human Gene Mutation Database (Stenson et al., 2014). Therefore, we interpret Y169S as a variant of uncertain significance.

Literature cited by the submitters: PubMed 30740813 (cited by Labcorp Genetics (formerly Invitae), Labcorp); PubMed 32385905 (cited by Labcorp Genetics (formerly Invitae), Labcorp); PubMed 34122524 (cited by Labcorp Genetics (formerly Invitae), Labcorp).